The following is an entry in ClinVar:

ClinVar aggregate classification (germline): Uncertain significance (1 of 4 stars; one submission).

Submission:

Labcorp Genetics (formerly Invitae), Labcorp
Classification: Uncertain significance. Last evaluated: 2024-01-22. Review status: criteria provided, single submitter. Criteria: Invitae Variant Classification Sherloc (09022015). Collection method: clinical testing. Allele origin: germline.
Comment: The C2CD3 gene has multiple clinically relevant transcripts. This variant occurs in alternate transcript NM_001286577.1, and corresponds to NM_015531.5:c.*432A>G in the primary transcript. This sequence change affects codon 1998 of the C2CD3 mRNA. It is a 'silent' change, meaning that it does not change the encoded amino acid sequence of the C2CD3 protein. This variant is not present in population databases (gnomAD no frequency). This variant has not been reported in the literature in individuals affected with C2CD3-related conditions. Experimental studies and prediction algorithms are not available or were not evaluated, and the effect of this variant on mRNA splicing is currently unknown. In summary, the available evidence is currently insufficient to determine the role of this variant in disease. Therefore, it has been classified as a Variant of Uncertain Significance.

NM_001286577.2(C2CD3):c.5994A>G (p.Gln1998=)

Gene: C2CD3 (C2 domain containing 3 centriole elongation regulator; minus strand). Cytogenetic location: 11q13.4.
Variant type: single nucleotide variant.
Coding change: c.5994A>G on transcript NM_001286577.2 (MANE Select); coding-DNA position 5994, A replaced by G.
Protein change: p.Gln1998=; no amino-acid change (glutamine 1998 retained).
Molecular consequence: synonymous variant.
Genome position (GRCh38, 1-based): chr11:74,034,166, T>C on the plus strand (A>G on the coding strand, the complement: C2CD3 is on the minus strand). VCF-style: chr11-74034166-T-C. GRCh37 (hg19) VCF-style: chr11-73745211-T-C.
Identifiers: ClinVar variation 2709687 (VCV002709687.3), dbSNP rs2496202845, ClinGen allele CA2697548797.